The following is an entry in ClinVar:

NM_001329943.3(KIAA0586):c.575C>T (p.Pro192Leu)

Gene: KIAA0586 (KIAA0586; plus strand). Cytogenetic location: 14q23.1.
Variant type: single nucleotide variant.
Coding change: c.575C>T on transcript NM_001329943.3 (MANE Select); coding-DNA position 575, C replaced by T.
Protein change: p.Pro192Leu; replaces proline 192 with leucine.
Molecular consequence: missense variant.
Genome position (GRCh38, 1-based): chr14:58,442,870, C>T. VCF-style: chr14-58442870-C-T. GRCh37 (hg19) VCF-style: chr14-58909588-C-T.
Other names: c.320C>T, p.Pro107Leu (NM_001329945.2, NM_001364700.1, NM_001364701.2 and 1 more transcripts); c.575C>T, p.Pro192Leu (NM_001329946.2, NM_001329947.2, NM_014749.5 and 1 more transcripts); c.575C>T (NM_014749.3); c.734C>T, p.Pro245Leu (NM_001244189.2); c.530C>T, p.Pro177Leu (NM_001244190.2); c.443C>T, p.Pro148Leu (NM_001244192.2); c.155C>T, p.Pro52Leu (NM_001244193.2); short protein forms P192L, P107L, P148L, P245L, P177L, P52L.
Identifiers: ClinVar variation 1047461 (VCV001047461.6), dbSNP rs748340175, ClinGen allele CA7205426.

ClinVar aggregate classification (germline): Uncertain significance. Review status: criteria provided, multiple submitters, no conflicts (2 of 4 stars). 3 submissions from 3 submitters: Uncertain significance (3). Last evaluated 2025-04-25.

Conditions:
Joubert syndrome 23 (JBTS23). Identifiers: Orphanet 475, MedGen C4084822, MONDO:0014664, OMIM 616490.
Short-rib thoracic dysplasia 14 with polydactyly (SRTD14). Identifiers: Orphanet 397715, MedGen C4225286, MONDO:0014688, OMIM 616546.
Inborn genetic diseases. Identifiers: MedGen C0950123, MeSH D030342.

Allele frequency attached by ClinVar (database versions not stated): TOPMed 0.00002; ExAC 0.00007.

Submissions (3):

Ambry Genetics
Classification: Uncertain significance for Inborn genetic diseases. Last evaluated: 2025-04-25. Review status: criteria provided, single submitter. Criteria: Ambry Variant Classification Scheme 2023. Collection method: clinical testing. Allele origin: germline.

Blueprint Genetics
Classification: Uncertain significance. Last evaluated: 2024-05-08. Review status: criteria provided, single submitter. Criteria: ACMG Guidelines, 2015. Collection method: clinical testing. Allele origin: germline.

Labcorp Genetics (formerly Invitae), Labcorp
Classification: Uncertain significance for Joubert syndrome 23; Short-rib thoracic dysplasia 14 with polydactyly. Last evaluated: 2023-12-21. Review status: criteria provided, single submitter. Criteria: Invitae Variant Classification Sherloc (09022015). Collection method: clinical testing. Allele origin: germline.
Comment: This sequence change replaces proline, which is neutral and non-polar, with leucine, which is neutral and non-polar, at codon 245 of the KIAA0586 protein (p.Pro245Leu). This variant is present in population databases (rs748340175, gnomAD 0.007%). This variant has not been reported in the literature in individuals affected with KIAA0586-related conditions. ClinVar contains an entry for this variant (Variation ID: 1047461). Advanced modeling of protein sequence and biophysical properties (such as structural, functional, and spatial information, amino acid conservation, physicochemical variation, residue mobility, and thermodynamic stability) performed at Invitae indicates that this missense variant is expected to disrupt KIAA0586 protein function with a positive predictive value of 80%. In summary, the available evidence is currently insufficient to determine the role of this variant in disease. Therefore, it has been classified as a Variant of Uncertain Significance.